The following is an entry in ClinVar:

ClinVar aggregate classification (germline): Uncertain significance (1 of 4 stars; one submission).

Conditions:
Inborn genetic diseases. Identifiers: MedGen C0950123, MeSH D030342.

Submission:

Ambry Genetics
Classification: Uncertain significance for Inborn genetic diseases. Last evaluated: 2025-01-22. Review status: criteria provided, single submitter. Criteria: Ambry Variant Classification Scheme 2023. Collection method: clinical testing. Allele origin: germline.
Comment: The p.G1057D variant (also known as c.3170G>A), located in coding exon 18 of the RECQL4 gene, results from a G to A substitution at nucleotide position 3170. The glycine at codon 1057 is replaced by aspartic acid, an amino acid with similar properties. This amino acid position is conserved. In addition, this alteration is predicted to be tolerated by in silico analysis. Based on the available evidence, the clinical significance of this variant remains unclear.

NM_004260.4(RECQL4):c.3170G>A (p.Gly1057Asp)

Gene: RECQL4 (RecQ like helicase 4; minus strand). Cytogenetic location: 8q24.3.
Variant type: single nucleotide variant.
Coding change: c.3170G>A on transcript NM_004260.4 (MANE Select); coding-DNA position 3170, G replaced by A.
Protein change: p.Gly1057Asp; replaces glycine 1057 with aspartic acid.
Molecular consequence: missense variant. On other transcripts: non-coding transcript variant (3).
Genome position (GRCh38, 1-based): chr8:144,512,210, C>T on the plus strand (G>A on the coding strand, the complement: RECQL4 is on the minus strand). VCF-style: chr8-144512210-C-T. GRCh37 (hg19) VCF-style: chr8-145737593-C-T.
Other names: c.2876G>A, p.Gly959Asp (NM_001413017.1); c.2972G>A, p.Gly991Asp (NM_001413018.1); c.3245G>A, p.Gly1082Asp (NM_001413019.1); c.3074G>A, p.Gly1025Asp (NM_001413020.1); c.2099G>A, p.Gly700Asp (NM_001413021.1, NM_001413022.1, NM_001413024.1 and 4 more transcripts); c.2174G>A, p.Gly725Asp (NM_001413023.1); c.3041G>A, p.Gly1014Asp (NM_001413025.1); c.2033G>A, p.Gly678Asp (NM_001413027.1, NM_001413030.1, NM_001413032.1); and 9 more; short protein forms G1047D, G568D, G690D, G959D, G1025D, G634D, G656D, G703D.
Identifiers: ClinVar variation 3788004 (VCV003788004.1).